The following is an entry in ClinVar:

NM_001256789.3(CACNA1F):c.4669G>A (p.Glu1557Lys)

Genes: CACNA1F (calcium voltage-gated channel subunit alpha1 F; minus strand), LOC126863257 (BRD4-independent group 4 enhancer GRCh37_chrX:49065732-49066931; plus strand). Cytogenetic location: Xp11.23.
Variant type: single nucleotide variant.
Coding change: c.4669G>A on transcript NM_001256789.3 (MANE Select); coding-DNA position 4669, G replaced by A.
Protein change: p.Glu1557Lys; replaces glutamic acid 1557 with lysine.
Molecular consequence: missense variant.
Genome position (GRCh38, 1-based): chrX:49,209,962, C>T on the plus strand (G>A on the coding strand, the complement: CACNA1F is on the minus strand). VCF-style: chrX-49209962-C-T. GRCh37 (hg19) VCF-style: chrX-49066422-C-T.
Other names: c.4507G>A, p.Glu1503Lys (NM_001256790.3); c.4702G>A, p.Glu1568Lys (NM_005183.4); short protein forms E1503K, E1557K, E1568K.
Identifiers: ClinVar variation 3653047 (VCV003653047.2).

ClinVar aggregate classification (germline): Uncertain significance (1 of 4 stars; one submission).

gnomAD v4.1: 2 of 1,205,828 alleles (0.00017%); highest among the groups gnomAD compares: Non-Finnish European, 0.00022%; no homozygotes.

Submission:

Labcorp Genetics (formerly Invitae), Labcorp
Classification: Uncertain significance. Last evaluated: 2024-05-11. Review status: criteria provided, single submitter. Criteria: Invitae Variant Classification Sherloc (09022015). Collection method: clinical testing. Allele origin: germline.
Comment: This sequence change replaces glutamic acid, which is acidic and polar, with lysine, which is basic and polar, at codon 1568 of the CACNA1F protein (p.Glu1568Lys). This variant is not present in population databases (gnomAD no frequency). This variant has not been reported in the literature in individuals affected with CACNA1F-related conditions. Advanced modeling of protein sequence and biophysical properties (such as structural, functional, and spatial information, amino acid conservation, physicochemical variation, residue mobility, and thermodynamic stability) performed at Invitae indicates that this missense variant is not expected to disrupt CACNA1F protein function with a negative predictive value of 80%. In summary, the available evidence is currently insufficient to determine the role of this variant in disease. Therefore, it has been classified as a Variant of Uncertain Significance.